The following is an entry in ClinVar:

ClinVar aggregate classification (germline): Uncertain significance. Review status: criteria provided, multiple submitters, no conflicts (2 of 4 stars). 5 submissions from 5 submitters: Uncertain significance (5). Last evaluated 2024-04-26.

Conditions:
Intellectual disability, autosomal dominant 16 (CSS4). Also called: COFFIN-SIRIS SYNDROME 4. Identifiers: Orphanet 1465, MedGen C3553249, MONDO:0013821, OMIM 614609.
Rhabdoid tumor predisposition syndrome 2 (RTPS2). Identifiers: Orphanet 231108, Orphanet 69077, MedGen C2750074, MONDO:0013224, OMIM 613325.
Hereditary cancer-predisposing syndrome. Also called: Tumor predisposition; Hereditary neoplastic syndrome; Neoplastic Syndromes, Hereditary; Hereditary Cancer Syndrome. Identifiers: Orphanet 140162, MedGen C0027672, MeSH D009386, MONDO:0015356.

Allele frequency attached by ClinVar (database versions not stated): TOPMed below 0.00001.

Submissions (5):

GeneDx
Classification: Uncertain significance. Last evaluated: 2024-04-26. Review status: criteria provided, single submitter. Criteria: GeneDx Variant Classification Process June 2021. Collection method: clinical testing. Allele origin: germline.
Comment: Not observed at significant frequency in large population cohorts (gnomAD); In silico analysis supports that this missense variant has a deleterious effect on protein structure/function; Has not been previously published as pathogenic or benign to our knowledge

Baylor Genetics
Classification: Uncertain significance for Rhabdoid tumor predisposition syndrome 2. Last evaluated: 2023-05-17. Review status: criteria provided, single submitter. Criteria: ACMG Guidelines, 2015. Collection method: clinical testing. Allele origin: unknown.

Labcorp Genetics (formerly Invitae), Labcorp
Classification: Uncertain significance for Rhabdoid tumor predisposition syndrome 2. Last evaluated: 2022-10-31. Review status: criteria provided, single submitter. Criteria: Invitae Variant Classification Sherloc (09022015). Collection method: clinical testing. Allele origin: germline.
Comment: In summary, the available evidence is currently insufficient to determine the role of this variant in disease. Therefore, it has been classified as a Variant of Uncertain Significance. Algorithms developed to predict the effect of missense changes on protein structure and function (SIFT, PolyPhen-2, Align-GVGD) all suggest that this variant is likely to be disruptive. ClinVar contains an entry for this variant (Variation ID: 820121). This variant has not been reported in the literature in individuals affected with SMARCA4-related conditions. This variant is not present in population databases (gnomAD no frequency). This sequence change replaces aspartic acid, which is acidic and polar, with valine, which is neutral and non-polar, at codon 607 of the SMARCA4 protein (p.Asp607Val).

Genome-Nilou Lab
Classification: Uncertain significance for Intellectual disability, autosomal dominant 16. Last evaluated: 2021-07-15. Review status: criteria provided, single submitter. Criteria: ACMG Guidelines, 2015. Collection method: clinical testing. Allele origin: germline. Affected: no.

Ambry Genetics
Classification: Uncertain significance for Hereditary cancer-predisposing syndrome. Last evaluated: 2018-11-13. Review status: criteria provided, single submitter. Criteria: Ambry Variant Classification Scheme 2023. Collection method: clinical testing. Allele origin: germline.
Comment: The p.D607V variant (also known as c.1820A>T), located in coding exon 11 of the SMARCA4 gene, results from an A to T substitution at nucleotide position 1820. The aspartic acid at codon 607 is replaced by valine, an amino acid with highly dissimilar properties. This amino acid position is highly conserved in available vertebrate species. In addition, this alteration is predicted to be deleterious by in silico analysis. Since supporting evidence is limited at this time, the clinical significance of this alteration remains unclear.

NM_003072.5(SMARCA4):c.1820A>T (p.Asp607Val)

Gene: SMARCA4 (SWI/SNF related BAF chromatin remodeling complex subunit ATPase 4; plus strand). Cytogenetic location: 19p13.2.
Variant type: single nucleotide variant.
Coding change: c.1820A>T on transcript NM_003072.5 (MANE Select); coding-DNA position 1820, A replaced by T.
Protein change: p.Asp607Val; replaces aspartic acid 607 with valine.
Molecular consequence: missense variant. On other transcripts: non-coding transcript variant (1).
Genome position (GRCh38, 1-based): chr19:11,003,036, A>T. VCF-style: chr19-11003036-A-T. GRCh37 (hg19) VCF-style: chr19-11113712-A-T.
Other names: c.1820A>T, p.Asp607Val (NM_001128844.3, NM_001128845.2, NM_001128846.2 and 4 more transcripts); short protein forms D607V.
Identifiers: ClinVar variation 820121 (VCV000820121.17), dbSNP rs1600132436, ClinGen allele CA404051396.